The following is an entry in ClinVar:

NM_000169.3(GLA):c.398T>A (p.Ile133Asn)

Genes: GLA (galactosidase alpha; minus strand), RPL36A-HNRNPH2 (RPL36A-HNRNPH2 readthrough; plus strand). Cytogenetic location: Xq22.1.
Variant type: single nucleotide variant.
Coding change: c.398T>A on transcript NM_000169.3 (MANE Select); coding-DNA position 398, T replaced by A.
Protein change: p.Ile133Asn; replaces isoleucine 133 with asparagine.
Molecular consequence: missense variant. On other transcripts: non-coding transcript variant (3), intron variant (2).
Genome position (GRCh38, 1-based): chrX:101,401,781, A>T on the plus strand (T>A on the coding strand, the complement: GLA is on the minus strand). VCF-style: chrX-101401781-A-T. GRCh37 (hg19) VCF-style: chrX-100656769-A-T.
Other names: c.521T>A, p.Ile174Asn (NM_001406747.1, NM_001406749.1); c.398T>A, p.Ile133Asn (NM_001406748.1); c.300+6324A>T (NM_001199973.2); c.177+9959A>T (NM_001199974.2); short protein forms I133N, I174N.
Identifiers: ClinVar variation 4087358 (VCV004087358.2).

ClinVar aggregate classification (germline): Pathogenic (1 of 4 stars; one submission).

Conditions:
Fabry disease. Also called: ALPHA-GALACTOSIDASE A DEFICIENCY; ANDERSON-FABRY DISEASE; CERAMIDE TRIHEXOSIDASE DEFICIENCY; GLA DEFICIENCY; HEREDITARY DYSTOPIC LIPIDOSIS; Angiokeratoma corporis diffusum. Identifiers: Orphanet 324, MedGen C0002986, MONDO:0010526, OMIM 301500, HP:0001071. Disease mechanism: Fabry disease is due to inactivating mutations in the X-linked GLA gene resulting in deficiency of the enzyme Alpha Galactosidase-A., loss of function.

Submission:

Genomenon, Inc
Classification: Pathogenic for Fabry disease. Last evaluated: 2026-09-08. Review status: criteria provided, single submitter. Criteria: Genomenon Sequence Variant Interpretation Standards - Updated. Collection method: curation. Allele origin: germline. Affected: yes.
Comment: GLA p.Ile133Asn (c.398T>A) is a missense variant that changes the amino acid at codon 133 from Isoleucine to Asparagine. This variant has been observed in at least one proband with clinical features consistent with Fabry disease (PMID:35870541;29305833). At least one functional study has demonstrated a substantial alteration in protein function relative to the wild-type (PMID:35870541). This variant is located in a mutational hotspot and/or important functional domain. It is absent or not present at a significant frequency in gnomAD. In silico models predict that this variant is possibly or probably damaging. In conclusion, we classify GLA p.Ile133Asn (c.398T>A) as a pathogenic variant.

Literature cited by the submitters: PubMed 35870541; PubMed 29305833.